The following is an entry in ClinVar:

ClinVar aggregate classification (germline): Uncertain significance. Review status: criteria provided, single submitter (1 of 4 stars). 2 submissions from 2 submitters: Uncertain significance (1). 1 of the submissions does not count toward it. Last evaluated 2022-03-09.

Conditions:
Ataxia-telangiectasia syndrome (AT). Also called: Ataxia-telangiectasia, complementation group D; AT, COMPLEMENTATION GROUP C; Ataxia telangiectasia (A-T); Cerebello-oculocutaneous telangiectasia; Immunodeficiency with ataxia telangiectasia; ATAXIA-TELANGIECTASIA, COMPLEMENTATION GROUP A. Identifiers: Orphanet 100, MedGen C0004135, MONDO:0008840, OMIM 208900.

Allele frequency attached by ClinVar (database versions not stated): TOPMed 0.00001.

Submissions (2):

Labcorp Genetics (formerly Invitae), Labcorp
Classification: Uncertain significance for Ataxia-telangiectasia syndrome. Last evaluated: 2022-03-09. Review status: criteria provided, single submitter. Criteria: Invitae Variant Classification Sherloc (09022015). Collection method: clinical testing. Allele origin: germline.
Comment: This sequence change replaces valine, which is neutral and non-polar, with leucine, which is neutral and non-polar, at codon 976 of the ATM protein (p.Val976Leu). This variant is not present in population databases (gnomAD no frequency). This variant has not been reported in the literature in individuals affected with ATM-related conditions. ClinVar contains an entry for this variant (Variation ID: 660803). Advanced modeling of protein sequence and biophysical properties (such as structural, functional, and spatial information, amino acid conservation, physicochemical variation, residue mobility, and thermodynamic stability) performed at Invitae indicates that this missense variant is not expected to disrupt ATM protein function. In summary, the available evidence is currently insufficient to determine the role of this variant in disease. Therefore, it has been classified as a Variant of Uncertain Significance.

Natera, Inc.
Classification: Uncertain significance for Ataxia-telangiectasia. Last evaluated: 2020-10-06. Review status: no assertion criteria provided. Collection method: clinical testing. Allele origin: germline. Not counted in ClinVar's aggregate classification.

NM_000051.4(ATM):c.2926G>T (p.Val976Leu)

Gene: ATM (ATM serine/threonine kinase; plus strand). Cytogenetic location: 11q22.3.
Variant type: single nucleotide variant.
Coding change: c.2926G>T on transcript NM_000051.4 (MANE Select); coding-DNA position 2926, G replaced by T.
Protein change: p.Val976Leu; replaces valine 976 with leucine.
Molecular consequence: missense variant.
Genome position (GRCh38, 1-based): chr11:108,271,255, G>T. VCF-style: chr11-108271255-G-T. GRCh37 (hg19) VCF-style: chr11-108141982-G-T.
Other names: c.2926G>T, p.Val976Leu (NM_001351834.2); short protein forms V976L.
Identifiers: ClinVar variation 660803 (VCV000660803.10), dbSNP rs1178628574, ClinGen allele CA382547085.